The following is an entry in ClinVar:

NM_000051.3(ATM):c.2467-?_8850+?dup6384

Genes: ATM (ATM serine/threonine kinase; plus strand), C11orf65 (chromosome 11 open reading frame 65; minus strand), LOC128772356 (melanoma risk locus-associated MPRA allelic enhancer 11:108140516; plus strand), LOC129390354 (MPRA-validated peak1451 silencer; plus strand). Cytogenetic location: 11q22.3.
Variant type: Duplication.
Coding change: c.2467-?_8850+?dup6384 on transcript NM_000051.3.
Other names: c.2467-?_8850+?dup (LRG_135t1).
Identifiers: ClinVar variation 254071 (VCV000254071.1).

ClinVar aggregate classification (germline): Likely pathogenic (1 of 4 stars; one submission).

Conditions:
Ataxia-telangiectasia syndrome (AT). Also called: AT, COMPLEMENTATION GROUP C; ATAXIA-TELANGIECTASIA, COMPLEMENTATION GROUP A; ATAXIA-TELANGIECTASIA, FRESNO VARIANT; Ataxia-telangiectasia; Ataxia telangiectasia (A-T); LOUIS-BAR SYNDROME. Identifiers: Orphanet 100, MedGen C0004135, MONDO:0008840, OMIM 208900.

Submission:

Labcorp Genetics (formerly Invitae), Labcorp
Classification: Likely pathogenic for Ataxia-telangiectasia syndrome. Last evaluated: 2016-06-17. Review status: criteria provided, single submitter. Criteria: Invitae Variant Classification Sherloc (09022015). Collection method: clinical testing. Allele origin: germline.
Comment: This variant is a gross duplication of the genomic region encompassing exons 17-61 of the ATM gene. While the exact position of the duplicated exons cannot be determined from this data, the duplicated copy of this region is likely in tandem and in-frame, therefore preserving the integrity of the reading frame. If in tandem, this variant leads to duplication of >2000 amino acid residues in the ATM protein, which likely interferes with proper protein folding and function. In summary, this is a gross duplication with uncertain impact on protein function. However, since it has been observed in an affected individual in a compound heterozygous state, it has been classified as a Likely Pathogenic.